The following is an entry in ClinVar:

ClinVar aggregate classification (germline): Conflicting classifications of pathogenicity. Review status: criteria provided, conflicting classifications (1 of 4 stars). 3 submissions from 3 submitters: Uncertain significance (1); Likely benign (2). Last evaluated 2025-10-26.

gnomAD v4.1: 829 of 1,613,766 alleles (0.051%); highest among the groups gnomAD compares: African/African-American, 1%; 6 homozygotes.

Submissions (3):

Mayo Clinic Laboratories, Mayo Clinic
Classification: Likely benign. Last evaluated: 2025-10-26. Review status: criteria provided, single submitter. Criteria: ACMG Guidelines, 2015. Collection method: clinical testing. Allele origin: germline. Observed: 2 variant alleles.
Comment: BS1, BS2, BP4, PM1_supporting

Ambry Genetics
Classification: Uncertain significance. Last evaluated: 2025-08-11. Review status: criteria provided, single submitter. Criteria: Ambry Variant Classification Scheme 2023. Collection method: clinical testing. Allele origin: germline.

Blueprint Genetics
Classification: Likely benign. Last evaluated: 2024-10-22. Review status: criteria provided, single submitter. Criteria: ACMG Guidelines, 2015. Collection method: clinical testing. Allele origin: germline.

NM_001465.6(FYB1):c.1157C>T (p.Ser386Phe)

Gene: FYB1 (FYN binding protein 1; minus strand). Cytogenetic location: 5p13.1.
Variant type: single nucleotide variant.
Coding change: c.1157C>T on transcript NM_001465.6 (MANE Select); coding-DNA position 1157, C replaced by T.
Protein change: p.Ser386Phe; replaces serine 386 with phenylalanine.
Molecular consequence: missense variant.
Genome position (GRCh38, 1-based): chr5:39,153,583, G>A on the plus strand (C>T on the coding strand, the complement: FYB1 is on the minus strand). VCF-style: chr5-39153583-G-A. GRCh37 (hg19) VCF-style: chr5-39153685-G-A.
Other names: p.Ser386Phe; c.1187C>T, p.Ser396Phe (NM_001243093.2, NM_018594.2); c.1157C>T, p.Ser386Phe (NM_001349333.2, NM_199335.5); short protein forms S396F, S386F.
Identifiers: ClinVar variation 4260755 (VCV004260755.3).